The following is an entry in ClinVar:

ClinVar aggregate classification (germline): Pathogenic (1 of 4 stars; one submission).

Allele frequency attached by ClinVar (database versions not stated): gnomAD exomes below 0.00001 and 0.00002; gnomAD 0.00001; ExAC 0.00002.

Submission:

Labcorp Genetics (formerly Invitae), Labcorp
Classification: Pathogenic. Last evaluated: 2023-12-25. Review status: criteria provided, single submitter. Criteria: Invitae Variant Classification Sherloc (09022015). Collection method: clinical testing. Allele origin: germline.
Comment: This sequence change creates a premature translational stop signal (p.Asn512Thrfs*12) in the FAM161A gene. It is expected to result in an absent or disrupted protein product. Loss-of-function variants in FAM161A are known to be pathogenic (PMID: 20705278, 20705279, 24651477). This variant is present in population databases (rs750449050, gnomAD 0.009%). This variant has not been reported in the literature in individuals affected with FAM161A-related conditions. ClinVar contains an entry for this variant (Variation ID: 1072059). For these reasons, this variant has been classified as Pathogenic.

Literature cited by the submitters: PubMed 20705278; PubMed 20705279; PubMed 24651477.

NM_001201543.2(FAM161A):c.1535_1547del (p.Asn512fs)

Gene: FAM161A (FAM161 centrosomal protein A; minus strand). Cytogenetic location: 2p15.
Variant type: Deletion.
Coding change: c.1535_1547del on transcript NM_001201543.2 (MANE Select); coding-DNA positions 1535 to 1547, 13 bases deleted (ACCCTCCCGTGCC).
Protein change: p.Asn512fs; shifts the reading frame from asparagine 512.
Molecular consequence: frameshift variant. On other transcripts: non-coding transcript variant (1).
Genome position (GRCh38, 1-based): chr2:61,839,457-61,839,469, GGCACGGGAGGGT deleted on the plus strand (ACCCTCCCGTGCC on the coding strand, the reverse complement: FAM161A is on the minus strand). VCF-style (leftmost placement, unchanged base first): chr2-61839456-GGGCACGGGAGGGT-G. GRCh37 (hg19) VCF-style: chr2-62066591-GGGCACGGGAGGGT-G.
Other names: c.1535_1547del, p.Asn512fs (NM_032180.3); short protein forms N512fs.
Identifiers: ClinVar variation 1072059 (VCV001072059.7), dbSNP rs750449050, ClinGen allele CA1679128.